The following is an entry in ClinVar:

NM_020921.4(NIN):c.1313G>A (p.Arg438Gln)

Gene: NIN (ninein; minus strand). Cytogenetic location: 14q22.1.
Variant type: single nucleotide variant.
Coding change: c.1313G>A on transcript NM_020921.4 (MANE Select); coding-DNA position 1313, G replaced by A.
Protein change: p.Arg438Gln; replaces arginine 438 with glutamine.
Molecular consequence: missense variant.
Genome position (GRCh38, 1-based): chr14:50,770,509, C>T on the plus strand (G>A on the coding strand, the complement: NIN is on the minus strand). VCF-style: chr14-50770509-C-T. GRCh37 (hg19) VCF-style: chr14-51237227-C-T.
Other names: c.1313G>A, p.Arg438Gln (NM_016350.5, NM_182944.3, NM_182946.2); c.1313G>A (NM_020921.3); short protein forms R438Q.
Identifiers: ClinVar variation 1933877 (VCV001933877.6), dbSNP rs188064359, ClinGen allele CA7182225.

ClinVar aggregate classification (germline): Uncertain significance. Review status: criteria provided, multiple submitters, no conflicts (2 of 4 stars). 2 submissions from 2 submitters: Uncertain significance (2). Last evaluated 2024-02-14.

Allele frequency attached by ClinVar (database versions not stated): TOPMed 0.00002.
gnomAD v4.1: 184 of 1,614,074 alleles (0.011%); highest among the groups gnomAD compares: East Asian, 0.25%; no homozygotes.

Submissions (2):

Labcorp Genetics (formerly Invitae), Labcorp
Classification: Uncertain significance. Last evaluated: 2024-02-14. Review status: criteria provided, single submitter. Criteria: Invitae Variant Classification Sherloc (09022015). Collection method: clinical testing. Allele origin: germline.
Comment: This sequence change replaces arginine, which is basic and polar, with glutamine, which is neutral and polar, at codon 438 of the NIN protein (p.Arg438Gln). This variant is present in population databases (rs188064359, gnomAD 0.07%), and has an allele count higher than expected for a pathogenic variant. This variant has not been reported in the literature in individuals affected with NIN-related conditions. ClinVar contains an entry for this variant (Variation ID: 1933877). Algorithms developed to predict the effect of missense changes on protein structure and function output the following: SIFT: "Not Available"; PolyPhen-2: "Benign"; Align-GVGD: "Not Available". The glutamine amino acid residue is found in multiple mammalian species, which suggests that this missense change does not adversely affect protein function. In summary, the available evidence is currently insufficient to determine the role of this variant in disease. Therefore, it has been classified as a Variant of Uncertain Significance.

Ambry Genetics
Classification: Uncertain significance. Last evaluated: 2023-12-12. Review status: criteria provided, single submitter. Criteria: Ambry Variant Classification Scheme 2023. Collection method: clinical testing. Allele origin: germline.